The following is an entry in ClinVar:

NM_000338.3(SLC12A1):c.360C>T (p.Ser120=)

Gene: SLC12A1 (solute carrier family 12 member 1; plus strand). Cytogenetic location: 15q21.1.
Variant type: single nucleotide variant.
Coding change: c.360C>T on transcript NM_000338.3 (MANE Select); coding-DNA position 360, C replaced by T.
Protein change: p.Ser120=; no amino-acid change (serine 120 retained).
Molecular consequence: synonymous variant.
Genome position (GRCh38, 1-based): chr15:48,208,079, C>T. VCF-style: chr15-48208079-C-T. GRCh37 (hg19) VCF-style: chr15-48500276-C-T.
Other names: c.360C>T, p.Ser120= (NM_001184832.2, NM_001384136.1).
Identifiers: ClinVar variation 2987288 (VCV002987288.11), dbSNP rs748478237, ClinGen allele CA7546733.

ClinVar aggregate classification (germline): Likely benign. Review status: criteria provided, multiple submitters, no conflicts (2 of 4 stars). 2 submissions from 2 submitters: Likely benign (2). Last evaluated 2025-07-01.

Allele frequency attached by ClinVar (database versions not stated): TOPMed below 0.00001; gnomAD exomes 0.00001; ExAC 0.00002.
gnomAD v4.1: 10 of 1,612,938 alleles (0.00062%); highest among the groups gnomAD compares: South Asian, 0.011%; no homozygotes.

Submissions (2):

CeGaT Center for Human Genetics Tuebingen
Classification: Likely benign. Last evaluated: 2025-07-01. Review status: criteria provided, single submitter. Criteria: CeGaT Center For Human Genetics Tuebingen Variant Classification Criteria Version 2. Collection method: clinical testing. Allele origin: germline. Affected: yes. Observed: 1 variant allele.
Comment: SLC12A1: BP4, BP7

Labcorp Genetics (formerly Invitae), Labcorp
Classification: Likely benign. Last evaluated: 2023-09-21. Review status: criteria provided, single submitter. Criteria: Invitae Variant Classification Sherloc (09022015). Collection method: clinical testing. Allele origin: germline.